The following is an entry in ClinVar:

NM_033310.3(KCNK4):c.751A>G (p.Thr251Ala)

Genes: KCNK4 (potassium two pore domain channel subfamily K member 4; plus strand), KCNK4-CATSPERZ (KCNK4-CATSPERZ readthrough (NMD candidate); plus strand). Cytogenetic location: 11q13.1.
Variant type: single nucleotide variant.
Coding change: c.751A>G on transcript NM_033310.3 (MANE Select); coding-DNA position 751, A replaced by G.
Protein change: p.Thr251Ala; replaces threonine 251 with alanine.
Molecular consequence: missense variant. On other transcripts: non-coding transcript variant (3).
Genome position (GRCh38, 1-based): chr11:64,298,199, A>G. VCF-style: chr11-64298199-A-G. GRCh37 (hg19) VCF-style: chr11-64065671-A-G.
Other names: c.751A>G, p.Thr251Ala (NM_001317090.2, NM_033311.1); short protein forms T251A.
Identifiers: ClinVar variation 2789779 (VCV002789779.3), dbSNP rs1591230299, ClinGen allele CA381066299.

ClinVar aggregate classification (germline): Uncertain significance (1 of 4 stars; one submission).

Submission:

Labcorp Genetics (formerly Invitae), Labcorp
Classification: Uncertain significance. Last evaluated: 2024-05-15. Review status: criteria provided, single submitter. Criteria: Invitae Variant Classification Sherloc (09022015). Collection method: clinical testing. Allele origin: germline.
Comment: This sequence change replaces threonine, which is neutral and polar, with alanine, which is neutral and non-polar, at codon 251 of the KCNK4 protein (p.Thr251Ala). This variant is not present in population databases (gnomAD no frequency). This variant has not been reported in the literature in individuals affected with KCNK4-related conditions. An algorithm developed to predict the effect of missense changes on protein structure and function (PolyPhen-2) suggests that this variant is likely to be tolerated. In summary, the available evidence is currently insufficient to determine the role of this variant in disease. Therefore, it has been classified as a Variant of Uncertain Significance.